The following is an entry in ClinVar:

ClinVar aggregate classification (germline): Pathogenic (1 of 4 stars; one submission).

Submission:

Labcorp Genetics (formerly Invitae), Labcorp
Classification: Pathogenic. Last evaluated: 2024-03-24. Review status: criteria provided, single submitter. Criteria: Invitae Variant Classification Sherloc (09022015). Collection method: clinical testing. Allele origin: germline.
Comment: This sequence change creates a premature translational stop signal (p.Cys545*) in the ACAN gene. It is expected to result in an absent or disrupted protein product. Loss-of-function variants in ACAN are known to be pathogenic (PMID: 16080123, 24762113). This variant is not present in population databases (gnomAD no frequency). This variant has not been reported in the literature in individuals affected with ACAN-related conditions. Algorithms developed to predict the effect of sequence changes on RNA splicing suggest that this variant may disrupt the consensus splice site. For these reasons, this variant has been classified as Pathogenic.

Literature cited by the submitters: PubMed 16080123; PubMed 24762113.

NM_001369268.1(ACAN):c.1635C>A (p.Cys545Ter)

Gene: ACAN (aggrecan; plus strand). Cytogenetic location: 15q26.1.
Variant type: single nucleotide variant.
Coding change: c.1635C>A on transcript NM_001369268.1 (MANE Select); coding-DNA position 1635, C replaced by A.
Protein change: p.Cys545Ter; replaces cysteine 545 with a stop codon.
Molecular consequence: nonsense.
Genome position (GRCh38, 1-based): chr15:88,847,941, C>A. VCF-style: chr15-88847941-C-A. GRCh37 (hg19) VCF-style: chr15-89391172-C-A.
Other names: c.1635C>A, p.Cys545Ter (NM_001135.4, NM_001411096.1, NM_001411097.1 and 1 more transcripts); short protein forms C545*.
Identifiers: ClinVar variation 3647511 (VCV003647511.2).